The following is an entry in ClinVar:

NM_021620.4(PRDM13):c.276+4C>T

Gene: PRDM13 (PR/SET domain 13; plus strand). Cytogenetic location: 6q16.2.
Variant type: single nucleotide variant.
Coding change: c.276+4C>T on transcript NM_021620.4 (MANE Select); 4 bases into the intron after coding-DNA position 276, C replaced by T.
Molecular consequence: intron variant.
Genome position (GRCh38, 1-based): chr6:99,608,876, C>T. VCF-style: chr6-99608876-C-T. GRCh37 (hg19) VCF-style: chr6-100056752-C-T.
Identifiers: ClinVar variation 1364948 (VCV001364948.6), dbSNP rs1409395546, ClinGen allele CA569085712.

ClinVar aggregate classification (germline): Uncertain significance (1 of 4 stars; one submission).

gnomAD v4.1: 2 of 1,609,842 alleles (0.00012%); highest among the groups gnomAD compares: South Asian, 0.0022%; no homozygotes.

Submission:

Labcorp Genetics (formerly Invitae), Labcorp
Classification: Uncertain significance. Last evaluated: 2025-02-27. Review status: criteria provided, single submitter. Criteria: Invitae Variant Classification Sherloc (09022015). Collection method: clinical testing. Allele origin: germline.
Comment: This sequence change falls in intron 2 of the PRDM13 gene. It does not directly change the encoded amino acid sequence of the PRDM13 protein. It affects a nucleotide within the consensus splice site. This variant is present in population databases (no rsID available, gnomAD 0.003%). This variant has not been reported in the literature in individuals affected with PRDM13-related conditions. ClinVar contains an entry for this variant (Variation ID: 1364948). Variants that disrupt the consensus splice site are a relatively common cause of aberrant splicing (PMID: 17576681, 9536098). Algorithms developed to predict the effect of sequence changes on RNA splicing suggest that this variant is not likely to affect RNA splicing. In summary, the available evidence is currently insufficient to determine the role of this variant in disease. Therefore, it has been classified as a Variant of Uncertain Significance.

Literature cited by the submitters: PubMed 17576681; PubMed 9536098.